The following is an entry in ClinVar:

ClinVar aggregate classification (germline): Pathogenic (1 of 4 stars; one submission).

Conditions:
PHKB-related disorder. Also called: PHKB-related condition.

Allele frequency attached by ClinVar (database versions not stated): TOPMed below 0.00001; ExAC 0.00001; gnomAD exomes 0.00002.

Submission:

PreventionGenetics, part of Exact Sciences
Classification: Pathogenic for PHKB-related condition. Last evaluated: 2022-11-07. Review status: criteria provided, single submitter. Criteria: ACMG Guidelines, 2015. Collection method: clinical testing. Allele origin: germline.
Comment: The PHKB c.3103delC variant is predicted to result in premature protein termination (p.Leu1035*). Also known as c.3124delC (p.L1042X) under NM_000293.3, this variant has been reported to be pathogenic for glycogen storage disease (Brown et al. 2015. PubMed ID: 25070466). This variant is reported in 0.0036% of alleles in individuals of European (Non-Finnish) descent in gnomAD. Nonsense variants in PHKB are expected to be pathogenic. This variant is interpreted as pathogenic.

NM_000293.3(PHKB):c.3124del (p.Arg1041_Leu1042insTer)

Gene: PHKB (phosphorylase kinase regulatory subunit beta; plus strand). Cytogenetic location: 16q12.1.
Variant type: Deletion.
Coding change: c.3124del on transcript NM_000293.3 (MANE Select); coding-DNA position 3124, one base deleted (C; older notation c.3124delC).
Protein change: p.Arg1041_Leu1042insTer.
Molecular consequence: nonsense.
Genome position (GRCh38, 1-based): chr16:47,698,568, C deleted. VCF-style (leftmost placement, unchanged base first): chr16-47698567-GC-G. GRCh37 (hg19) VCF-style: chr16-47732478-GC-G.
Other names: c.3103del, p.Arg1034_Leu1035insTer (NM_001031835.3); c.3124del, p.Arg1041_Leu1042insTer (NM_001363837.1).
Identifiers: ClinVar variation 2634850 (VCV002634850.1), dbSNP rs756592483, ClinGen allele CA8041436.
Genomic context (GRCh38, chr16:47,698,567, plus strand): 5'-AGTAGATCTAGACAGACTGGTCAAAGAAGCATTTAATGAATTTCAAAAAGATCAGAGTCG[GC>G]TAAAGGAAATTGAAAAACAAGTAAGTACACAGCTTTTTTTTTTTTTTTTTTTTTGAGAAT-3'